The following is an entry in ClinVar:

ClinVar aggregate classification (germline): Pathogenic/Likely pathogenic. Review status: criteria provided, multiple submitters, no conflicts (2 of 4 stars). 4 submissions from 4 submitters: Pathogenic (2); Likely pathogenic (1). 1 of the submissions does not count toward it. Last evaluated 2023-12-30.

Conditions:
Gonadotropin-independent familial sexual precocity. Also called: TESTOTOXICOSIS, FAMILIAL; Familial male-limited precocious puberty. Identifiers: Orphanet 3000, MedGen C0342549, MONDO:0008303, OMIM 176410.
Leydig cell agenesis. Also called: Leydig cell hypoplasia, type 1; HYPERGONADOTROPIC HYPOGONADISM, MALE, DUE TO LHCGR DEFECT; LEYDIG CELL HYPOPLASIA WITH MALE PSEUDOHERMAPHRODITISM; LEYDIG CELL HYPOPLASIA, COMPLETE. Identifiers: MedGen C0266432, MONDO:0009384, OMIM 238320.

Allele frequency attached by ClinVar (database versions not stated): ExAC 0.00001; gnomAD 0.00001; gnomAD exomes 0.00001.
gnomAD v4.1: 66 of 1,613,944 alleles (0.0041%); highest among the groups gnomAD compares: Non-Finnish European, 0.0053%; no homozygotes.

Submissions (4):

Labcorp Genetics (formerly Invitae), Labcorp
Classification: Pathogenic. Last evaluated: 2023-12-30. Review status: criteria provided, single submitter. Criteria: Invitae Variant Classification Sherloc (09022015). Collection method: clinical testing. Allele origin: germline.
Comment: This sequence change creates a premature translational stop signal (p.Cys545*) in the LHCGR gene. While this is not anticipated to result in nonsense mediated decay, it is expected to disrupt the last 155 amino acid(s) of the LHCGR protein. The frequency data for this variant in the population databases is considered unreliable, as metrics indicate poor data quality at this position in the gnomAD database. This premature translational stop signal has been observed in individual(s) with Leydig cell hypoplasia (PMID: 7581384). It has also been observed to segregate with disease in related individuals. ClinVar contains an entry for this variant (Variation ID: 14391). Algorithms developed to predict the effect of variants on protein structure and function are not available or were not evaluated for this variant. Experimental studies have shown that this premature translational stop signal affects LHCGR function (PMID: 7581384). Algorithms developed to predict the effect of sequence changes on RNA splicing suggest that this variant may create or strengthen a splice site. This variant disrupts a region of the LHCGR protein in which other variant(s) (p.Ser616Tyr) have been determined to be pathogenic (PMID: 26246498, 27016457; Invitae). This suggests that this is a clinically significant region of the protein, and that variants that disrupt it are likely to be disease-causing. For these reasons, this variant has been classified as Pathogenic.

Fulgent Genetics
Classification: Likely pathogenic for Gonadotropin-independent familial sexual precocity; Leydig cell agenesis. Last evaluated: 2021-12-31. Review status: criteria provided, single submitter. Criteria: ACMG Guidelines, 2015. Collection method: clinical testing. Allele origin: unknown.

Clinical Molecular Genetics Laboratory, Johns Hopkins All Children's Hospital
Classification: Pathogenic for Leydig cell agenesis. Last evaluated: 2018-01-03. Review status: criteria provided, single submitter. Criteria: ACMG Guidelines, 2015. Collection method: clinical testing. Allele origin: germline. Affected: yes.

OMIM
Classification: Pathogenic for LEYDIG CELL HYPOPLASIA, TYPE I. Last evaluated: 1998-11-01. Review status: no assertion criteria provided. Collection method: literature only. Allele origin: germline. Not counted in ClinVar's aggregate classification.

Literature cited by the submitters: PubMed 7581384 (cited by Labcorp Genetics (formerly Invitae), Labcorp and OMIM); PubMed 26246498 (cited by Labcorp Genetics (formerly Invitae), Labcorp); PubMed 27016457 (cited by Labcorp Genetics (formerly Invitae), Labcorp); PubMed 9817592 (cited by OMIM).

NM_000233.4(LHCGR):c.1635C>A (p.Cys545Ter)

Genes: STON1-GTF2A1L (STON1-GTF2A1L readthrough; plus strand), LHCGR (luteinizing hormone/choriogonadotropin receptor; minus strand). Cytogenetic location: 2p16.3.
Variant type: single nucleotide variant.
Coding change: c.1635C>A on transcript NM_000233.4 (MANE Select); coding-DNA position 1635, C replaced by A.
Protein change: p.Cys545Ter; replaces cysteine 545 with a stop codon.
Molecular consequence: nonsense. On other transcripts: intron variant (1).
Genome position (GRCh38, 1-based): chr2:48,688,162, G>T on the plus strand (C>A on the coding strand, the complement: LHCGR is on the minus strand). VCF-style: chr2-48688162-G-T. GRCh37 (hg19) VCF-style: chr2-48915301-G-T.
Other names: c.3441+16482G>T (NM_001198593.2); short protein forms C545*.
Identifiers: ClinVar variation 14391 (VCV000014391.7), dbSNP rs121912523, ClinGen allele CA250647.
Genomic context (GRCh38, chr2:48,688,162, plus strand): 5'-TGTATCTTTATTGGTAGCCATTAATTCTGGGTTTCGAACTGCAAAATAAATTTTAATGTA[G>T]CAAGCACAAATTATGAAGAAGGCCACCACATTGAGAATCAGGATGGTTAATATATAGACT-3'